The following is an entry in ClinVar:

NM_000136.3(FANCC):c.279C>A (p.Cys93Ter)

Gene: FANCC (FA complementation group C; minus strand). Cytogenetic location: 9q22.32.
Variant type: single nucleotide variant.
Coding change: c.279C>A on transcript NM_000136.3 (MANE Select); coding-DNA position 279, C replaced by A.
Protein change: p.Cys93Ter; replaces cysteine 93 with a stop codon.
Molecular consequence: nonsense.
Genome position (GRCh38, 1-based): chr9:95,240,715, G>T on the plus strand (C>A on the coding strand, the complement: FANCC is on the minus strand). VCF-style: chr9-95240715-G-T. GRCh37 (hg19) VCF-style: chr9-98002997-G-T.
Other names: c.279C>A, p.Cys93Ter (NM_001243743.2, NM_001243744.2); short protein forms C93*.
Identifiers: ClinVar variation 3277624 (VCV003277624.1).

ClinVar aggregate classification (germline): Pathogenic (1 of 4 stars; one submission).

Conditions:
Hereditary cancer-predisposing syndrome. Also called: Tumor predisposition; Hereditary Cancer Syndrome; Hereditary neoplastic syndrome; Neoplastic Syndromes, Hereditary. Identifiers: Orphanet 140162, MedGen C0027672, MeSH D009386, MONDO:0015356.

Submission:

Ambry Genetics
Classification: Pathogenic for Hereditary cancer-predisposing syndrome. Last evaluated: 2024-03-18. Review status: criteria provided, single submitter. Criteria: Ambry Variant Classification Scheme 2023. Collection method: clinical testing. Allele origin: germline.
Comment: The p.C93* pathogenic mutation (also known as c.279C>A), located in coding exon 3 of the FANCC gene, results from a C to A substitution at nucleotide position 279. This changes the amino acid from a cysteine to a stop codon within coding exon 3. This alteration is expected to result in loss of function by premature protein truncation or nonsense-mediated mRNA decay. This variant is considered to be rare based on population cohorts in the Genome Aggregation Database (gnomAD). As such, this alteration is interpreted as a disease-causing mutation.